The following is an entry in ClinVar:

NM_002439.5(MSH3):c.1012A>G (p.Thr338Ala)

Genes: MSH3 (mutS homolog 3; plus strand), LOC126807437 (MED14-independent group 3 enhancer GRCh37_chr5:79968379-79969578; plus strand). Cytogenetic location: 5q14.1.
Variant type: single nucleotide variant.
Coding change: c.1012A>G on transcript NM_002439.5 (MANE Select); coding-DNA position 1012, A replaced by G.
Protein change: p.Thr338Ala; replaces threonine 338 with alanine.
Molecular consequence: missense variant.
Genome position (GRCh38, 1-based): chr5:80,672,843, A>G. VCF-style: chr5-80672843-A-G. GRCh37 (hg19) VCF-style: chr5-79968662-A-G.
Other names: short protein forms T338A.
Identifiers: ClinVar variation 662623 (VCV000662623.14), dbSNP rs762169960, ClinGen allele CA3327764.

ClinVar aggregate classification (germline): Uncertain significance. Review status: criteria provided, multiple submitters, no conflicts (2 of 4 stars). 2 submissions from 2 submitters: Uncertain significance (2). Last evaluated 2025-12-29.

Conditions:
Hereditary cancer-predisposing syndrome. Also called: Neoplastic Syndromes, Hereditary; Tumor predisposition; Hereditary neoplastic syndrome; Hereditary Cancer Syndrome. Identifiers: Orphanet 140162, MedGen C0027672, MeSH D009386, MONDO:0015356.

Allele frequency attached by ClinVar (database versions not stated): gnomAD exomes below 0.00001 and 0.00001; ExAC 0.00001; gnomAD 0.00001.
gnomAD v4.1: 3 of 1,610,806 alleles (0.00019%); highest among the groups gnomAD compares: East Asian, 0.0045%; no homozygotes.

Submissions (2):

Labcorp Genetics (formerly Invitae), Labcorp
Classification: Uncertain significance. Last evaluated: 2025-12-29. Review status: criteria provided, single submitter. Criteria: Invitae Variant Classification Sherloc (09022015). Collection method: clinical testing. Allele origin: germline.
Comment: This sequence change replaces threonine, which is neutral and polar, with alanine, which is neutral and non-polar, at codon 338 of the MSH3 protein (p.Thr338Ala). This variant is present in population databases (rs762169960, gnomAD 0.01%). This variant has not been reported in the literature in individuals affected with MSH3-related conditions. ClinVar contains an entry for this variant (Variation ID: 662623). An algorithm developed to predict the effect of missense changes on protein structure and function (PolyPhen-2) suggests that this variant is likely to be disruptive. In summary, the available evidence is currently insufficient to determine the role of this variant in disease. Therefore, it has been classified as a Variant of Uncertain Significance.

Ambry Genetics
Classification: Uncertain significance for Hereditary cancer-predisposing syndrome. Last evaluated: 2024-12-28. Review status: criteria provided, single submitter. Criteria: Ambry Variant Classification Scheme 2023. Collection method: clinical testing. Allele origin: germline.
Comment: The p.T338A variant (also known as c.1012A>G), located in coding exon 6 of the MSH3 gene, results from an A to G substitution at nucleotide position 1012. The threonine at codon 338 is replaced by alanine, an amino acid with similar properties. This amino acid position is conserved. In addition, this alteration is predicted to be deleterious by in silico analysis. Since supporting evidence is limited at this time, the clinical significance of this alteration remains unclear.